The following is an entry in ClinVar:

ClinVar aggregate classification (germline): Uncertain significance (1 of 4 stars; one submission).

Conditions:
Cardiovascular phenotype. Identifiers: MedGen CN230736.

Allele frequency attached by ClinVar (database versions not stated): gnomAD exomes below 0.00001; gnomAD 0.00001.
gnomAD v4.1: 2 of 1,614,048 alleles (0.00012%); highest among the groups gnomAD compares: Admixed American, 0.0017%; no homozygotes.

Submission:

Ambry Genetics
Classification: Uncertain significance for Cardiovascular phenotype. Last evaluated: 2023-01-19. Review status: criteria provided, single submitter. Criteria: Ambry Variant Classification Scheme 2023. Collection method: clinical testing. Allele origin: germline.
Comment: The p.S1959N variant (also known as c.5876G>A), located in coding exon 26 of the APOB gene, results from a G to A substitution at nucleotide position 5876. The serine at codon 1959 is replaced by asparagine, an amino acid with highly similar properties. This amino acid position is conserved. In addition, this alteration is predicted to be tolerated by in silico analysis. Since supporting evidence is limited at this time, the clinical significance of this alteration remains unclear.

NM_000384.3(APOB):c.5876G>A (p.Ser1959Asn)

Gene: APOB (apolipoprotein B; minus strand). Cytogenetic location: 2p24.1.
Variant type: single nucleotide variant.
Coding change: c.5876G>A on transcript NM_000384.3 (MANE Select); coding-DNA position 5876, G replaced by A.
Protein change: p.Ser1959Asn; replaces serine 1959 with asparagine.
Molecular consequence: missense variant.
Genome position (GRCh38, 1-based): chr2:21,010,992, C>T on the plus strand (G>A on the coding strand, the complement: APOB is on the minus strand). VCF-style: chr2-21010992-C-T. GRCh37 (hg19) VCF-style: chr2-21233864-C-T.
Other names: short protein forms S1959N.
Identifiers: ClinVar variation 2451313 (VCV002451313.2), dbSNP rs1663299832, ClinGen allele CA346003785.
Genomic context (GRCh38, chr2:21,010,992, plus strand): 5'-CCTGTCTGCTCAGCTGGAGTAAGCAGGGCACTGACTTTGTGTTCAAGAGCTGCACTGATG[C>T]TTTTCCTAGACACGAGATGATGACTTGTGGAGCCTTTGTAATCATGAGAGAAAGTAAATG-3'
Protein context (NP_000375.3, residues 1949-1969): STSHHLVSRK[Ser1959Asn]ISAALEHKVS